The following is an entry in ClinVar:

ClinVar aggregate classification (germline): Uncertain significance (1 of 4 stars; one submission).

Submission:

GeneDx
Classification: Uncertain significance. Last evaluated: 2023-10-16. Review status: criteria provided, single submitter. Criteria: GeneDx Variant Classification Process June 2021. Collection method: clinical testing. Allele origin: germline. Affected: yes.
Comment: Not observed at significant frequency in large population cohorts (gnomAD); In silico analysis supports that this missense variant does not alter protein structure/function; Has not been previously published as pathogenic or benign to our knowledge; Also known as 10254A>C

NM_000059.4(BRCA2):c.10026A>C (p.Glu3342Asp)

Gene: BRCA2 (BRCA2 DNA repair associated; plus strand). Cytogenetic location: 13q13.1.
Variant type: single nucleotide variant.
Coding change: c.10026A>C on transcript NM_000059.4 (MANE Select); coding-DNA position 10026, A replaced by C.
Protein change: p.Glu3342Asp; replaces glutamic acid 3342 with aspartic acid.
Molecular consequence: missense variant. On other transcripts: non-coding transcript variant (1).
Genome position (GRCh38, 1-based): chr13:32,398,539, A>C. VCF-style: chr13-32398539-A-C. GRCh37 (hg19) VCF-style: chr13-32972676-A-C.
Other names: c.9930A>C, p.Glu3310Asp (NM_001406719.1); c.9975A>C, p.Glu3325Asp (NM_001406720.1); c.5094A>C, p.Glu1698Asp (NM_001406721.1); c.3609A>C, p.Glu1203Asp (NM_001406722.1); c.10026A>C, p.Glu3342Asp (NM_001432077.1); short protein forms E1203D, E1698D, E3310D, E3325D, E3342D.
Identifiers: ClinVar variation 3366123 (VCV003366123.1).